The following is an entry in ClinVar:

ClinVar aggregate classification (germline): Likely benign. Review status: criteria provided, multiple submitters, no conflicts (2 of 4 stars). 7 submissions from 7 submitters: Likely benign (4). 3 of the submissions do not count toward it. Last evaluated 2026-07-01.

Conditions:
CPT2-related disorder. Also called: CPT2-related condition.
Carnitine palmitoyltransferase II deficiency. Also called: Carnitine Palmitoyltransferase 2 Deficiency. Identifiers: Orphanet 157, MedGen C0342790, MONDO:0015515.

Allele frequency attached by ClinVar (database versions not stated): ESP Exome Variant Server 0.00015; 1000 Genomes Project 30x 0.00016; 1000 Genomes Project 0.00020; ExAC 0.00020; gnomAD exomes 0.00027; gnomAD 0.00035 and 0.00037; TOPMed 0.00055.

Submissions (7):

CeGaT Center for Human Genetics Tuebingen
Classification: Likely benign. Last evaluated: 2026-07-01. Review status: criteria provided, single submitter. Criteria: CeGaT Center For Human Genetics Tuebingen Variant Classification Criteria Version 2. Collection method: clinical testing. Allele origin: germline. Affected: yes. Observed: 2 variant alleles.
Comment: CPT2: BP4, BP7

Labcorp Genetics (formerly Invitae), Labcorp
Classification: Likely benign for Carnitine palmitoyltransferase II deficiency. Last evaluated: 2026-01-14. Review status: criteria provided, single submitter. Criteria: Invitae Variant Classification Sherloc (09022015). Collection method: clinical testing. Allele origin: germline.

Blueprint Genetics
Classification: Likely benign. Last evaluated: 2024-11-11. Review status: criteria provided, single submitter. Criteria: ACMG Guidelines, 2015. Collection method: clinical testing. Allele origin: germline.

ARUP Laboratories, Molecular Genetics and Genomics, ARUP Laboratories
Classification: Likely benign. Last evaluated: 2018-03-17. Review status: criteria provided, single submitter. Criteria: ARUP Molecular Germline Variant Investigation Process. Collection method: clinical testing. Allele origin: germline.
Comment: The c.1602G>A; p.Glu534Glu variant (rs148110518, ClinVar variant ID 460425) does not alter the amino acid sequence of the CPT2 protein and computational splice site prediction algorithms do not predict a change in the nearest splice site or creation of a cryptic splice site. This variant has not been reported in medical literature or in gene specific variation databases. This variant is listed in the genome Aggregation Database (gnomAD) with a Latino population frequency of 0.1% (identified on 37 out of 33,984 chromosomes). Based on the available information, the c.1602G>A variant is likely to be benign.

PreventionGenetics, part of Exact Sciences
Classification: Likely benign for CPT2-related condition. Last evaluated: 2019-10-28. Review status: no assertion criteria provided. Collection method: clinical testing. Allele origin: germline. Not counted in ClinVar's aggregate classification.
Comment: This variant is classified as likely benign based on ACMG/AMP sequence variant interpretation guidelines (Richards et al. 2015 PMID: 25741868, with internal and published modifications).

Clinical Genetics DNA and cytogenetics Diagnostics Lab, Erasmus MC, Erasmus Medical Center
Classification: Likely benign. Review status: no assertion criteria provided. Collection method: clinical testing. Allele origin: germline. Affected: yes. Study: VKGL Data-share Consensus. Not counted in ClinVar's aggregate classification.

Genome Diagnostics Laboratory, University Medical Center Utrecht
Classification: Likely benign. Review status: no assertion criteria provided. Collection method: clinical testing. Allele origin: germline. Affected: yes. Study: VKGL Data-share Consensus. Not counted in ClinVar's aggregate classification.

NM_000098.3(CPT2):c.1602G>A (p.Glu534=)

Gene: CPT2 (carnitine palmitoyltransferase 2; plus strand). Cytogenetic location: 1p32.3.
Variant type: single nucleotide variant.
Coding change: c.1602G>A on transcript NM_000098.3 (MANE Select); coding-DNA position 1602, G replaced by A.
Protein change: p.Glu534=; no amino-acid change (glutamic acid 534 retained).
Molecular consequence: synonymous variant. On other transcripts: intron variant (1).
Genome position (GRCh38, 1-based): chr1:53,211,276, G>A. VCF-style: chr1-53211276-G-A. GRCh37 (hg19) VCF-style: chr1-53676948-G-A.
Other names: c.1576+26G>A (NM_001330589.2).
Identifiers: ClinVar variation 460425 (VCV000460425.63), dbSNP rs148110518, ClinGen allele CA859237.